The following is an entry in ClinVar:

ClinVar aggregate classification (germline): Uncertain significance. Review status: criteria provided, multiple submitters, no conflicts (2 of 4 stars). 2 submissions from 2 submitters: Uncertain significance (2). Last evaluated 2025-09-04.

Conditions:
Mowat-Wilson syndrome (MOWS). Also called: Classic Mowat-Wilson Syndrome. Identifiers: Orphanet 2152, MedGen C1856113, MONDO:0009341, OMIM 235730.

Allele frequency attached by ClinVar (database versions not stated): ExAC 0.00001; gnomAD 0.00001; gnomAD exomes 0.00001 and 0.00004.
gnomAD v4.1: 57 of 1,614,010 alleles (0.0035%); highest among the groups gnomAD compares: Non-Finnish European, 0.0047%; no homozygotes.

Submissions (2):

Women's Health and Genetics/Laboratory Corporation of America, LabCorp
Classification: Uncertain significance. Last evaluated: 2025-09-04. Review status: criteria provided, single submitter. Criteria: LabCorp Variant Classification Summary - May 2015. Collection method: clinical testing. Allele origin: germline.
Comment: Variant summary: ZEB2 c.427G>A (p.Asp143Asn) results in a conservative amino acid change in the encoded protein sequence. Algorithms developed to predict the effect of missense changes on protein structure and function are either unavailable or do not agree on the potential impact of this missense change. The variant allele was found at a frequency of 1.2e-05 in 251156 control chromosomes. The available data on variant occurrences in the general population are insufficient to allow any conclusion about variant significance. To our knowledge, no occurrence of c.427G>A in individuals affected with ZEB2-related conditions and no experimental evidence demonstrating its impact on protein function have been reported. ClinVar contains an entry for this variant (Variation ID: 1355484). Based on the evidence outlined above, the variant was classified as uncertain significance.

Labcorp Genetics (formerly Invitae), Labcorp
Classification: Uncertain significance for Mowat-Wilson syndrome. Last evaluated: 2023-10-05. Review status: criteria provided, single submitter. Criteria: Invitae Variant Classification Sherloc (09022015). Collection method: clinical testing. Allele origin: germline.
Comment: This sequence change replaces aspartic acid, which is acidic and polar, with asparagine, which is neutral and polar, at codon 143 of the ZEB2 protein (p.Asp143Asn). This variant is present in population databases (rs780748597, gnomAD 0.003%). This variant has not been reported in the literature in individuals affected with ZEB2-related conditions. ClinVar contains an entry for this variant (Variation ID: 1355484). Advanced modeling of protein sequence and biophysical properties (such as structural, functional, and spatial information, amino acid conservation, physicochemical variation, residue mobility, and thermodynamic stability) performed at Invitae indicates that this missense variant is expected to disrupt ZEB2 protein function. In summary, the available evidence is currently insufficient to determine the role of this variant in disease. Therefore, it has been classified as a Variant of Uncertain Significance.

NM_014795.4(ZEB2):c.427G>A (p.Asp143Asn)

Gene: ZEB2 (zinc finger E-box binding homeobox 2; minus strand). Cytogenetic location: 2q22.3.
Variant type: single nucleotide variant.
Coding change: c.427G>A on transcript NM_014795.4 (MANE Select); coding-DNA position 427, G replaced by A.
Protein change: p.Asp143Asn; replaces aspartic acid 143 with asparagine.
Molecular consequence: missense variant.
Genome position (GRCh38, 1-based): chr2:144,405,001, C>T on the plus strand (G>A on the coding strand, the complement: ZEB2 is on the minus strand). VCF-style: chr2-144405001-C-T. GRCh37 (hg19) VCF-style: chr2-145162568-C-T.
Other names: c.355G>A, p.Asp119Asn (NM_001171653.2); short protein forms D143N, D119N.
Identifiers: ClinVar variation 1355484 (VCV001355484.9), dbSNP rs780748597, ClinGen allele CA1898476.